The following is an entry in ClinVar:

ClinVar aggregate classification (germline): Likely benign (0 of 4 stars; one submission).

Conditions:
BMP5-related disorder. Also called: BMP5-related condition.

Submission:

PreventionGenetics, part of Exact Sciences
Classification: Likely benign for BMP5-related condition. Last evaluated: 2019-03-06. Review status: no assertion criteria provided. Collection method: clinical testing. Allele origin: germline.
Comment: This variant is classified as likely benign based on ACMG/AMP sequence variant interpretation guidelines (Richards et al. 2015 PMID: 25741868, with internal and published modifications).

NM_021073.4(BMP5):c.1105-29GT[15]

Gene: BMP5 (bone morphogenetic protein 5; minus strand). Cytogenetic location: 6p12.1.
Variant type: Microsatellite.
Coding change: c.1105-29GT[15] on transcript NM_021073.4 (MANE Select); 15 copies in a row of the 2-base unit GT starting at c.1105-29; the reference has ten copies in a row; five copies, 10 bases duplicated.
Molecular consequence: intron variant.
Genome position (GRCh38, 1-based): chr6:55,759,125-55,759,134, ACACACACAC duplicated on the plus strand (GTGTGTGTGT on the coding strand, the reverse complement: BMP5 is on the minus strand); duplicating any 10 consecutive bases within chr6:55,759,125-55,759,145 gives the same sequence; the position shown is the placement nearest the transcript's 3' end. VCF-style (leftmost placement, unchanged base first): chr6-55759124-T-TACACACACAC. GRCh37 (hg19) VCF-style: chr6-55623922-T-TACACACACAC.
Other names: c.1028-3462GT[15] (NM_001329756.2); c.1104+1313GT[15] (NM_001329754.2).
Identifiers: ClinVar variation 3037354 (VCV003037354.2), dbSNP rs749127959, ClinGen allele CA3864657.